The following is an entry in ClinVar:

ClinVar aggregate classification (germline): Pathogenic (1 of 4 stars; one submission).

Conditions:
Asphyxiating thoracic dystrophy 3. Also called: SHORT-RIB THORACIC DYSPLASIA 3 WITH OR WITHOUT POLYDACTYLY; POLYDACTYLY WITH NEONATAL CHONDRODYSTROPHY, TYPE I; SHORT-RIB THORACIC DYSPLASIA 3/6 WITH POLYDACTYLY, DIGENIC; Short rib polydactyly syndrome 2B; Saldino-Noonan Syndrome. Identifiers: Orphanet 474, Orphanet 93269, Orphanet 93270, Orphanet 93271, MedGen C0036069, MONDO:0013127, OMIM 613091.

Submission:

Myriad Genetics, Inc.
Classification: Pathogenic for Asphyxiating thoracic dystrophy 3. Last evaluated: 2026-08-28. Review status: criteria provided, single submitter. Criteria: Myriad Autosomal Dominant, Autosomal Recessive and X-Linked Classification Criteria (2023). Collection method: clinical testing. Allele origin: unknown.
Comment: NM_001377.2(DYNC2H1):c.12185delC(P4062Lfs*25) is expected to be pathogenic in the context of DYNC2H1-related disorders. This variant is predicted to lead to an abnormal or absent protein product due to the creation of a premature termination codon in DYNC2H1, a gene where loss-of-function variants are known to be pathogenic. Please note: this variant was assessed in the context of healthy population screening.

NM_001377.3(DYNC2H1):c.12185del (p.Pro4062fs)

Gene: DYNC2H1 (dynein cytoplasmic 2 heavy chain 1; plus strand). Cytogenetic location: 11q22.3.
Variant type: Deletion.
Coding change: c.12185del on transcript NM_001377.3 (MANE Select); coding-DNA position 12185, one base deleted (C; older notation c.12185delC).
Protein change: p.Pro4062fs; shifts the reading frame from proline 4062.
Molecular consequence: frameshift variant.
Genome position (GRCh38, 1-based): chr11:103,399,691, C deleted; the last of 2 consecutive C bases (chr11:103,399,690-103,399,691); deleting either gives the same sequence. VCF-style (leftmost placement, unchanged base first): chr11-103399689-GC-G. GRCh37 (hg19) VCF-style: chr11-103270417-GC-G.
Other names: c.12206del, p.Pro4069fs (NM_001080463.2); short protein forms P4062fs, P4069fs.
Identifiers: ClinVar variation 5016290 (VCV005016290.1).
Genomic context (GRCh38, chr11:103,399,689, plus strand): 5'-CTATTCGGTAAATATTATGACATTTTTCTTTTAGAATTCAAACCTAATACATCAGAAAGT[GC>G]CTCCTCCTAACGATCGACAAGGATCTCCAATACTGTCATTCATCATTCTTGAACAATTTA-3'